The following is an entry in ClinVar:

ClinVar aggregate classification (germline): Conflicting classifications of pathogenicity. Review status: criteria provided, conflicting classifications (1 of 4 stars). 2 submissions from 2 submitters: Uncertain significance (1); Likely benign (1). Last evaluated 2024-12-06.

Conditions:
Inborn genetic diseases. Identifiers: MedGen C0950123, MeSH D030342.

Submissions (2):

Ambry Genetics
Classification: Uncertain significance for Inborn genetic diseases. Last evaluated: 2024-12-06. Review status: criteria provided, single submitter. Criteria: Ambry Variant Classification Scheme 2023. Collection method: clinical testing. Allele origin: germline.
Comment: The p.S1186N variant (also known as c.3557G>A), located in coding exon 24 of the ANKRD26 gene, results from a G to A substitution at nucleotide position 3557. The serine at codon 1186 is replaced by asparagine, an amino acid with highly similar properties. This amino acid position is conserved. In addition, this alteration is predicted to be tolerated by in silico analysis. Based on the available evidence, the clinical significance of this variant remains unclear.

CeGaT Center for Human Genetics Tuebingen
Classification: Likely benign. Last evaluated: 2024-07-01. Review status: criteria provided, single submitter. Criteria: CeGaT Center For Human Genetics Tuebingen Variant Classification Criteria Version 2. Collection method: clinical testing. Allele origin: germline. Affected: yes. Observed: 1 variant allele.
Comment: ANKRD26: BP4

NM_014915.3(ANKRD26):c.3557G>A (p.Ser1186Asn)

Gene: ANKRD26 (ankyrin repeat domain 26; minus strand). Cytogenetic location: 10p12.1.
Variant type: single nucleotide variant.
Coding change: c.3557G>A on transcript NM_014915.3 (MANE Select); coding-DNA position 3557, G replaced by A.
Protein change: p.Ser1186Asn; replaces serine 1186 with asparagine.
Molecular consequence: missense variant.
Genome position (GRCh38, 1-based): chr10:27,034,893, C>T on the plus strand (G>A on the coding strand, the complement: ANKRD26 is on the minus strand). VCF-style: chr10-27034893-C-T. GRCh37 (hg19) VCF-style: chr10-27323822-C-T.
Other names: c.3554G>A, p.Ser1185Asn (NM_001256053.2); short protein forms S1185N, S1186N.
Identifiers: ClinVar variation 3257161 (VCV003257161.18).